The following is an entry in ClinVar:

ClinVar aggregate classification (germline): Uncertain significance (1 of 4 stars; one submission).

Conditions:
Neurofibromatosis, type 1 (NF1). Also called: Neurofibromatosis, type I; Peripheral type neurofibromatosis; NEUROFIBROMATOSIS, TYPE I, SOMATIC; VON RECKLINGHAUSEN DISEASE. Identifiers: Orphanet 636, MedGen C0027831, MONDO:0018975, OMIM 162200. Disease mechanism: loss of function.

Submission:

Labcorp Genetics (formerly Invitae), Labcorp
Classification: Uncertain significance for Neurofibromatosis, type 1. Last evaluated: 2022-06-19. Review status: criteria provided, single submitter. Criteria: Invitae Variant Classification Sherloc (09022015). Collection method: clinical testing. Allele origin: germline.
Comment: In summary, the available evidence is currently insufficient to determine the role of this variant in disease. Therefore, it has been classified as a Variant of Uncertain Significance. Advanced modeling of protein sequence and biophysical properties (such as structural, functional, and spatial information, amino acid conservation, physicochemical variation, residue mobility, and thermodynamic stability) performed at Invitae indicates that this missense variant is expected to disrupt NF1 protein function. This variant has not been reported in the literature in individuals affected with NF1-related conditions. This variant is not present in population databases (gnomAD no frequency). This sequence change replaces asparagine, which is neutral and polar, with serine, which is neutral and polar, at codon 1934 of the NF1 protein (p.Asn1934Ser).

NM_001042492.3(NF1):c.5864A>G (p.Asn1955Ser)

Gene: NF1 (neurofibromin 1; plus strand). Cytogenetic location: 17q11.2.
Variant type: single nucleotide variant.
Coding change: c.5864A>G on transcript NM_001042492.3 (MANE Select); coding-DNA position 5864, A replaced by G.
Protein change: p.Asn1955Ser; replaces asparagine 1955 with serine.
Molecular consequence: missense variant.
Genome position (GRCh38, 1-based): chr17:31,334,889, A>G. VCF-style: chr17-31334889-A-G. GRCh37 (hg19) VCF-style: chr17-29661907-A-G.
Other names: c.5801A>G, p.Asn1934Ser (NM_000267.4); short protein forms N1955S, N1934S.
Identifiers: ClinVar variation 2001094 (VCV002001094.4), dbSNP rs2151550390, ClinGen allele CA399010666.